The following is an entry in ClinVar:

ClinVar aggregate classification (germline): Uncertain significance (1 of 4 stars; one submission).

Conditions:
Severe myoclonic epilepsy in infancy (DRVT). Also called: Dravet syndrome; Epileptic encephalopathy, early infantile, 6 (Dravet syndrome); SEVERE MYOCLONIC EPILEPSY OF INFANCY; DEVELOPMENTAL AND EPILEPTIC ENCEPHALOPATHY 6A; Severe Myoclonic Epilepsy in Infancy (SMEI). Identifiers: Orphanet 33069, MedGen C0751122, MONDO:0100135, OMIM 607208.

Submission:

Labcorp Genetics (formerly Invitae), Labcorp
Classification: Uncertain significance for Severe myoclonic epilepsy in infancy. Last evaluated: 2020-11-21. Review status: criteria provided, single submitter. Criteria: Invitae Variant Classification Sherloc (09022015). Collection method: clinical testing. Allele origin: germline.
Comment: In summary, the available evidence is currently insufficient to determine the role of this variant in disease. Therefore, it has been classified as a Variant of Uncertain Significance. Algorithms developed to predict the effect of missense changes on protein structure and function are either unavailable or do not agree on the potential impact of this missense change (SIFT: "Deleterious"; PolyPhen-2: "Benign"; Align-GVGD: "Class C0"). This variant has not been reported in the literature in individuals with SNX27-related conditions. This variant is not present in population databases (ExAC no frequency). This sequence change replaces histidine with tyrosine at codon 431 of the SNX27 protein (p.His431Tyr). The histidine residue is highly conserved and there is a moderate physicochemical difference between histidine and tyrosine.

NM_001330723.2(SNX27):c.1291C>T (p.His431Tyr)

Gene: SNX27 (sorting nexin 27; plus strand). Cytogenetic location: 1q21.3.
Variant type: single nucleotide variant.
Coding change: c.1291C>T on transcript NM_001330723.2 (MANE Select); coding-DNA position 1291, C replaced by T.
Protein change: p.His431Tyr; replaces histidine 431 with tyrosine.
Molecular consequence: missense variant.
Genome position (GRCh38, 1-based): chr1:151,692,486, C>T. VCF-style: chr1-151692486-C-T. GRCh37 (hg19) VCF-style: chr1-151664962-C-T.
Other names: c.1291C>T, p.His431Tyr (NM_030918.6); short protein forms H431Y.
Identifiers: ClinVar variation 1487107 (VCV001487107.8), dbSNP rs1487640435, ClinGen allele CA341972003.